The following is an entry in ClinVar:

ClinVar aggregate classification (germline): Conflicting classifications of pathogenicity. Review status: criteria provided, conflicting classifications (1 of 4 stars). 2 submissions from 2 submitters: Uncertain significance (1); Likely benign (1). Last evaluated 2026-04-06.

Conditions:
USP53-related disorder. Also called: USP53-related condition.
Inborn genetic diseases. Identifiers: MedGen C0950123, MeSH D030342.

gnomAD v4.1: 32 of 1,612,208 alleles (0.002%); highest among the groups gnomAD compares: African/African-American, 0.024%; no homozygotes.

Submissions (2):

PreventionGenetics, part of Exact Sciences
Classification: Uncertain significance for USP53-related condition. Last evaluated: 2026-04-06. Review status: criteria provided, single submitter. Criteria: ACMG Guidelines, 2015. Collection method: clinical testing. Allele origin: germline.
Comment: The USP53 c.2209C>T variant is predicted to result in the amino acid substitution p.Arg737Cys. To our knowledge, this variant has not been reported in the literature. This variant is reported in 0.012% of alleles in individuals of African descent in gnomAD. At this time, the clinical significance of this variant is uncertain due to the absence of conclusive functional and genetic evidence.

Ambry Genetics
Classification: Likely benign for Inborn genetic diseases. Last evaluated: 2024-10-06. Review status: criteria provided, single submitter. Criteria: Ambry Variant Classification Scheme 2023. Collection method: clinical testing. Allele origin: germline.

NM_001371395.1(USP53):c.2209C>T (p.Arg737Cys)

Gene: USP53 (ubiquitin specific peptidase 53; plus strand). Cytogenetic location: 4q26.
Variant type: single nucleotide variant.
Coding change: c.2209C>T on transcript NM_001371395.1 (MANE Select); coding-DNA position 2209, C replaced by T.
Protein change: p.Arg737Cys; replaces arginine 737 with cysteine.
Molecular consequence: missense variant.
Genome position (GRCh38, 1-based): chr4:119,273,666, C>T. VCF-style: chr4-119273666-C-T. GRCh37 (hg19) VCF-style: chr4-120194821-C-T.
Other names: c.1861C>T, p.Arg621Cys (NM_001389663.1, NM_001389664.1, NM_001389666.1 and 1 more transcripts); c.1708C>T, p.Arg570Cys (NM_001389665.1, NM_001389667.1); c.2209C>T, p.Arg737Cys (NM_019050.3, NM_001371397.1, NM_001371398.1 and 3 more transcripts); c.2056C>T, p.Arg686Cys (NM_001371396.1, NM_001389661.1); c.2059C>T, p.Arg687Cys (NM_001389660.1); short protein forms R621C, R686C, R737C, R570C, R687C.
Identifiers: ClinVar variation 3467244 (VCV003467244.2).